The following is an entry in ClinVar:

NM_033337.3(CAV3):c.-33G>A

Gene: CAV3 (caveolin 3; plus strand). Cytogenetic location: 3p25.3.
Variant type: single nucleotide variant.
Coding change: c.-33G>A on transcript NM_033337.3 (MANE Select); 33 bases upstream of the start codon, G replaced by A.
Molecular consequence: 5 prime UTR variant.
Genome position (GRCh38, 1-based): chr3:8,733,844, G>A. VCF-style: chr3-8733844-G-A. GRCh37 (hg19) VCF-style: chr3-8775530-G-A.
Other names: c.-33G>A (NM_001234.5).
Identifiers: ClinVar variation 388403 (VCV000388403.2), dbSNP rs72546666, ClinGen allele CA2236270.
Genomic context (GRCh38, chr3:8,733,844, plus strand): 5'-GGGACACTGAATTGGTCTCTCTGCCCCAAGTATTTTCAGCCCCAGCCGGCCACACAGCTC[G>A]GATCTCCTCCTGTGGATCCCCCCAGCTCTGCGATGATGGCAGAAGAGCACACAGATCTCG-3'

ClinVar aggregate classification (germline): Likely benign. Review status: criteria provided, multiple submitters, no conflicts (2 of 4 stars). 2 submissions from 2 submitters: Likely benign (2). Last evaluated 2025-10-23.

Conditions:
CAV3-related disorder. Also called: CAV3-related condition.

Allele frequency attached by ClinVar (database versions not stated): TOPMed 0.00003; 1000 Genomes Project 30x 0.00031.
gnomAD v4.1: 48 of 1,372,806 alleles (0.0035%); highest among the groups gnomAD compares: South Asian, 0.016%; no homozygotes.

Submissions (2):

PreventionGenetics, part of Exact Sciences
Classification: Likely benign for CAV3-related condition. Last evaluated: 2025-10-23. Review status: criteria provided, single submitter. Criteria: ACMG Guidelines, 2015. Collection method: clinical testing. Allele origin: germline.
Comment: This variant is classified as likely benign based on ACMG/AMP sequence variant interpretation guidelines (Richards et al. 2015 PMID: 25741868, with internal and published modifications).

GeneDx
Classification: Likely benign. Last evaluated: 2017-04-20. Review status: criteria provided, single submitter. Criteria: GeneDx Variant Classification (06012015). Collection method: clinical testing. Allele origin: germline. Affected: yes.
Comment: This variant is considered likely benign or benign based on one or more of the following criteria: it is a conservative change, it occurs at a poorly conserved position in the protein, it is predicted to be benign by multiple in silico algorithms, and/or has population frequency not consistent with disease.